The following is an entry in ClinVar:

NM_004260.4(RECQL4):c.1906T>C (p.Cys636Arg)

Gene: RECQL4 (RecQ like helicase 4; minus strand). Cytogenetic location: 8q24.3.
Variant type: single nucleotide variant.
Coding change: c.1906T>C on transcript NM_004260.4 (MANE Select); coding-DNA position 1906, T replaced by C.
Protein change: p.Cys636Arg; replaces cysteine 636 with arginine.
Molecular consequence: missense variant. On other transcripts: non-coding transcript variant (3).
Genome position (GRCh38, 1-based): chr8:144,514,080, A>G on the plus strand (T>C on the coding strand, the complement: RECQL4 is on the minus strand). VCF-style: chr8-144514080-A-G. GRCh37 (hg19) VCF-style: chr8-145739464-A-G.
Other names: c.1555T>C, p.Cys519Arg (NM_001413029.1); c.769T>C, p.Cys257Arg (NM_001413030.1, NM_001413032.1, NM_001413027.1 and 1 more transcripts); c.637T>C, p.Cys213Arg (NM_001413031.1); c.1774T>C, p.Cys592Arg (NM_001413033.1); c.835T>C, p.Cys279Arg (NM_001413034.1, NM_001413035.1, NM_001413038.1 and 6 more transcripts); c.1906T>C, p.Cys636Arg (NM_001413036.1, NM_001413018.1, NM_001413019.1); c.703T>C, p.Cys235Arg (NM_001413037.1); c.1810T>C, p.Cys604Arg (NM_001413017.1, NM_001413020.1); and 5 more; short protein forms C213R, C257R, C519R, C279R, C604R, C636R, C269R, C592R.
Identifiers: ClinVar variation 2731085 (VCV002731085.5), dbSNP rs2538034735, ClinGen allele CA372680512.

ClinVar aggregate classification (germline): Uncertain significance. Review status: criteria provided, multiple submitters, no conflicts (2 of 4 stars). 3 submissions from 3 submitters: Uncertain significance (3). Last evaluated 2025-11-11.

Conditions:
Inborn genetic diseases. Identifiers: MedGen C0950123, MeSH D030342.
Baller-Gerold syndrome (BGS). Also called: CRANIOSYNOSTOSIS WITH RADIAL DEFECTS. Identifiers: Orphanet 1225, MedGen C0265308, MONDO:0009039, OMIM 218600.

Submissions (3):

Ambry Genetics
Classification: Uncertain significance for Inborn genetic diseases. Last evaluated: 2025-11-11. Review status: criteria provided, single submitter. Criteria: Ambry Variant Classification Scheme 2023. Collection method: clinical testing. Allele origin: germline.
Comment: The p.C636R variant (also known as c.1906T>C), located in coding exon 12 of the RECQL4 gene, results from a T to C substitution at nucleotide position 1906. The cysteine at codon 636 is replaced by arginine, an amino acid with highly dissimilar properties. This amino acid position is conserved. In addition, this alteration is predicted to be deleterious by in silico analysis. Based on the available evidence, the clinical significance of this variant remains unclear.

Women's Health and Genetics/Laboratory Corporation of America, LabCorp
Classification: Uncertain significance. Last evaluated: 2025-04-04. Review status: criteria provided, single submitter. Criteria: LabCorp Variant Classification Summary - May 2015. Collection method: clinical testing. Allele origin: germline.
Comment: Variant summary: RECQL4 c.1906T>C (p.Cys636Arg) results in a non-conservative amino acid change in the encoded protein sequence. Three of three in-silico tools predict a damaging effect of the variant on protein function. The variant was absent in 212900 control chromosomes. The available data on variant occurrences in the general population are insufficient to allow any conclusion about variant significance. To our knowledge, no occurrence of c.1906T>C in individuals affected with RECQL4-Related Disorders and no experimental evidence demonstrating its impact on protein function have been reported. ClinVar contains an entry for this variant (Variation ID: 2731085). Based on the evidence outlined above, the variant was classified as uncertain significance.

Labcorp Genetics (formerly Invitae), Labcorp
Classification: Uncertain significance for Baller-Gerold syndrome. Last evaluated: 2025-01-19. Review status: criteria provided, single submitter. Criteria: Invitae Variant Classification Sherloc (09022015). Collection method: clinical testing. Allele origin: germline.
Comment: This sequence change replaces cysteine, which is neutral and slightly polar, with arginine, which is basic and polar, at codon 636 of the RECQL4 protein (p.Cys636Arg). This variant is not present in population databases (gnomAD no frequency). This variant has not been reported in the literature in individuals affected with RECQL4-related conditions. ClinVar contains an entry for this variant (Variation ID: 2731085). Invitae Evidence Modeling of protein sequence and biophysical properties (such as structural, functional, and spatial information, amino acid conservation, physicochemical variation, residue mobility, and thermodynamic stability) indicates that this missense variant is expected to disrupt RECQL4 protein function with a positive predictive value of 80%. In summary, the available evidence is currently insufficient to determine the role of this variant in disease. Therefore, it has been classified as a Variant of Uncertain Significance.